The following is an entry in ClinVar:

ClinVar aggregate classification (germline): Conflicting classifications of pathogenicity. Review status: criteria provided, conflicting classifications (1 of 4 stars). 3 submissions from 3 submitters: Uncertain significance (2); Likely benign (1). Last evaluated 2025-06-02.

Conditions:
Hyperekplexia 1 (STHE). Also called: HYPEREKPLEXIA 1, AUTOSOMAL DOMINANT; HYPEREKPLEXIA 1, AUTOSOMAL RECESSIVE; STARTLE DISEASE, FAMILIAL; STIFF-BABY SYNDROME; STIFF-MAN SYNDROME, CONGENITAL; STIFF-PERSON SYNDROME, CONGENITAL. Identifiers: Orphanet 3197, MedGen C4551954, MONDO:0007868, OMIM 149400.
Hereditary hyperekplexia. Identifiers: Orphanet 3197, MedGen C4084968, MONDO:0021022.

Allele frequency attached by ClinVar (database versions not stated): gnomAD exomes below 0.00001 and 0.00003; TOPMed below 0.00001; ExAC 0.00001; gnomAD 0.00002; ESP Exome Variant Server 0.00008.

Submissions (3):

Labcorp Genetics (formerly Invitae), Labcorp
Classification: Likely benign for Hereditary hyperekplexia. Last evaluated: 2025-06-02. Review status: criteria provided, single submitter. Criteria: Invitae Variant Classification Sherloc (09022015). Collection method: clinical testing. Allele origin: germline.

GeneDx
Classification: Uncertain significance. Last evaluated: 2023-04-24. Review status: criteria provided, single submitter. Criteria: GeneDx Variant Classification Process June 2021. Collection method: clinical testing. Allele origin: germline. Affected: yes.
Comment: Not observed at significant frequency in large population cohorts (gnomAD); In silico analysis supports that this variant does not alter splicing; Has not been previously published as pathogenic or benign to our knowledge

Illumina Laboratory Services, Illumina
Classification: Uncertain significance for Hyperekplexia 1. Last evaluated: 2018-01-17. Review status: criteria provided, single submitter. Criteria: ICSL Variant Classification Criteria 13 December 2019. Collection method: clinical testing. Allele origin: germline.

NM_000171.4(GLRA1):c.696A>G (p.Thr232=)

Gene: GLRA1 (glycine receptor alpha 1; minus strand). Cytogenetic location: 5q33.1.
Variant type: single nucleotide variant.
Coding change: c.696A>G on transcript NM_000171.4 (MANE Select); coding-DNA position 696, A replaced by G.
Protein change: p.Thr232=; no amino-acid change (threonine 232 retained).
Molecular consequence: synonymous variant.
Genome position (GRCh38, 1-based): chr5:151,855,041, T>C on the plus strand (A>G on the coding strand, the complement: GLRA1 is on the minus strand). VCF-style: chr5-151855041-T-C. GRCh37 (hg19) VCF-style: chr5-151234602-T-C.
Other names: c.696A>G, p.Thr232= (NM_001146040.2); c.447A>G, p.Thr149= (NM_001292000.2).
Identifiers: ClinVar variation 854282 (VCV000854282.14), dbSNP rs374982085, ClinGen allele CA3523626.